The following is an entry in ClinVar:

ClinVar aggregate classification (germline): Uncertain significance (1 of 4 stars; one submission).

Submission:

GeneDx
Classification: Uncertain significance. Last evaluated: 2025-08-06. Review status: criteria provided, single submitter. Criteria: GeneDx Variant Classification Process June 2021. Collection method: clinical testing. Allele origin: germline. Affected: yes.
Comment: Reported as de novo in a cohort of patients with autism spectrum disorder; however, additional clinical information was not provided (PMID: 35982160); Not observed at significant frequency in large population cohorts (gnomAD); In silico analysis supports that this missense variant has a deleterious effect on protein structure/function; This variant is associated with the following publications: (PMID: 35982159, 35982160)

NM_000213.5(ITGB4):c.3841C>G (p.Arg1281Gly)

Genes: GALK1 (galactokinase 1; minus strand), ITGB4 (integrin subunit beta 4; plus strand). Cytogenetic location: 17q25.1.
Variant type: single nucleotide variant.
Coding change: c.3841C>G on transcript NM_000213.5 (MANE Select); coding-DNA position 3841, C replaced by G.
Protein change: p.Arg1281Gly; replaces arginine 1281 with glycine.
Molecular consequence: missense variant. On other transcripts: intron variant (1).
Genome position (GRCh38, 1-based): chr17:75,752,221, C>G. VCF-style: chr17-75752221-C-G. GRCh37 (hg19) VCF-style: chr17-73748302-C-G.
Other names: c.3841C>G, p.Arg1281Gly (NM_001005619.2, NM_001005731.3, NM_001321123.2 and 1 more transcripts); c.*23-484G>C (NM_001381985.1); short protein forms R1281G.
Identifiers: ClinVar variation 4755765 (VCV004755765.1).
Genomic context (GRCh38, chr17:75,752,221, plus strand): 5'-CTCTCTGCCCCAGGACCTATTGGGCCCATGAAGAAAGTGCTGGTTGACAACCCTAAGAAC[C>G]GGATGCTGCTTATTGAGAACCTTCGGGAGTCCCAGCCCTACCGCTACACGGTGAAGGCGC-3'
Protein context (NP_000204.3, residues 1271-1291): KKVLVDNPKN[Arg1281Gly]MLLIENLRES